The following is an entry in ClinVar:

NM_003494.4(DYSF):c.1512A>T (p.Lys504Asn)

Gene: DYSF (dysferlin; plus strand). Cytogenetic location: 2p13.2.
Variant type: single nucleotide variant.
Coding change: c.1512A>T on transcript NM_003494.4 (MANE Plus Clinical); coding-DNA position 1512, A replaced by T.
Protein change: p.Lys504Asn; replaces lysine 504 with asparagine.
Molecular consequence: missense variant. On other transcripts: intron variant (8).
Genome position (GRCh38, 1-based): chr2:71,549,381, A>T. VCF-style: chr2-71549381-A-T. GRCh37 (hg19) VCF-style: chr2-71776511-A-T.
Other names: c.1515A>T, p.Lys505Asn (NM_001130455.2, NM_001130983.2); c.1512A>T, p.Lys504Asn (NM_001130978.2); c.1605A>T, p.Lys535Asn (NM_001130979.2); c.1608A>T, p.Lys536Asn (NM_001130982.2); c.1574-1660A>T (NM_001130981.2, NM_001130980.2); c.1481-1660A>T (NM_001130977.2, NM_001130976.2); c.1577-1660A>T (NM_001130987.2, NM_001130985.2); c.1484-1660A>T (NM_001130984.2, NM_001130986.2); short protein forms K505N, K536N, K504N, K535N.
Identifiers: ClinVar variation 1954148 (VCV001954148.9), dbSNP rs149066183, ClinGen allele CA1705844.

ClinVar aggregate classification (germline): Conflicting classifications of pathogenicity. Review status: criteria provided, conflicting classifications (1 of 4 stars). 3 submissions from 3 submitters: Uncertain significance (2); Benign (1). Last evaluated 2026-01-19.

Conditions:
Neuromuscular disease caused by qualitative or quantitative defects of dysferlin. Also called: Qualitative or quantitative defects of dysferlin; Dysferlinopathy. Identifiers: Orphanet 207073, MedGen C2931687, MONDO:0016145.
Autosomal recessive limb-girdle muscular dystrophy. Identifiers: Orphanet 102015, MedGen C2931907, MONDO:0015152.

Allele frequency attached by ClinVar (database versions not stated): gnomAD exomes 0.00002; ExAC 0.00005; ESP Exome Variant Server 0.00008; gnomAD 0.00015; 1000 Genomes Project 30x 0.00016; TOPMed 0.00017; 1000 Genomes Project 0.00020.
gnomAD v4.1: 53 of 1,612,502 alleles (0.0033%); highest among the groups gnomAD compares: African/African-American, 0.059%; no homozygotes.

Submissions (3):

Labcorp Genetics (formerly Invitae), Labcorp
Classification: Benign for Neuromuscular disease caused by qualitative or quantitative defects of dysferlin. Last evaluated: 2026-01-19. Review status: criteria provided, single submitter. Criteria: Invitae Variant Classification Sherloc (09022015). Collection method: clinical testing. Allele origin: germline.

Myriad Genetics, Inc.
Classification: Uncertain significance for Autosomal recessive limb-girdle muscular dystrophy. Last evaluated: 2025-08-19. Review status: criteria provided, single submitter. Criteria: Myriad Autosomal Dominant, Autosomal Recessive and X-Linked Classification Criteria (2023). Collection method: clinical testing. Allele origin: unknown.
Comment: NM_003494.3(DYSF):c.1512A>T(K504N) is a missense variant classified as a variant of uncertain significance in the context of dysferlinopathy. K504N has not been observed in cases with relevant disease. Relevant functional assessments of this variant are not available in the literature. K504N has been observed in referenced population frequency databases. In summary, there is insufficient evidence to classify NM_003494.3(DYSF):c.1512A>T(K504N) as pathogenic or benign. Please note: this variant was assessed in the context of healthy population screening.

Revvity Omics, Revvity
Classification: Uncertain significance. Last evaluated: 2019-08-26. Review status: criteria provided, single submitter. Criteria: ACMG Guidelines, 2015. Collection method: clinical testing. Allele origin: germline.